The following is an entry in ClinVar:

ClinVar aggregate classification (germline): Uncertain significance (1 of 4 stars; one submission).

Conditions:
Primary ciliary dyskinesia. Also called: Ciliary dyskinesia. Identifiers: Orphanet 244, MedGen C0008780, MONDO:0016575, HP:0012265.

gnomAD v4.1: 14 of 1,613,060 alleles (0.00087%); highest among the groups gnomAD compares: Non-Finnish European, 0.0011%; no homozygotes.

Submission:

Labcorp Genetics (formerly Invitae), Labcorp
Classification: Uncertain significance for Primary ciliary dyskinesia. Last evaluated: 2024-02-20. Review status: criteria provided, single submitter. Criteria: Invitae Variant Classification Sherloc (09022015). Collection method: clinical testing. Allele origin: germline.
Comment: This sequence change falls in intron 39 of the DNAH11 gene. It does not directly change the encoded amino acid sequence of the DNAH11 protein. It affects a nucleotide within the consensus splice site. This variant is present in population databases (rs773946826, gnomAD 0.003%). This variant has not been reported in the literature in individuals affected with DNAH11-related conditions. Variants that disrupt the consensus splice site are a relatively common cause of aberrant splicing (PMID: 17576681, 9536098). Algorithms developed to predict the effect of sequence changes on RNA splicing suggest that this variant is not likely to affect RNA splicing. In summary, the available evidence is currently insufficient to determine the role of this variant in disease. Therefore, it has been classified as a Variant of Uncertain Significance.

Literature cited by the submitters: PubMed 17576681; PubMed 9536098.

NM_001277115.2(DNAH11):c.6546+4T>C

Gene: DNAH11 (dynein axonemal heavy chain 11; plus strand). Cytogenetic location: 7p15.3.
Variant type: single nucleotide variant.
Coding change: c.6546+4T>C on transcript NM_001277115.2 (MANE Select); 4 bases into the intron after coding-DNA position 6546, T replaced by C.
Molecular consequence: intron variant.
Genome position (GRCh38, 1-based): chr7:21,705,541, T>C. VCF-style: chr7-21705541-T-C. GRCh37 (hg19) VCF-style: chr7-21745159-T-C.
Identifiers: ClinVar variation 3712348 (VCV003712348.2).
Genomic context (GRCh38, chr7:21,705,541, plus strand): 5'-TTGGCTGTGCGGCACTCGGTCTTTGTAGTTGGAAATGCAGGCACAGGAAAGAGTAAGGTA[T>C]AGTAAATTGCCTAATAGCTTACAGCTATGGAAAGAACATTTGTTGTCATTGTGGTTCGGC-3'